The following is an entry in ClinVar:

NM_006767.4(LZTR1):c.279T>A (p.Asn93Lys)

Gene: LZTR1 (leucine zipper like post translational regulator 1; plus strand). Cytogenetic location: 22q11.21.
Variant type: single nucleotide variant.
Coding change: c.279T>A on transcript NM_006767.4 (MANE Select); coding-DNA position 279, T replaced by A.
Protein change: p.Asn93Lys; replaces asparagine 93 with lysine.
Molecular consequence: missense variant.
Genome position (GRCh38, 1-based): chr22:20,985,856, T>A. VCF-style: chr22-20985856-T-A. GRCh37 (hg19) VCF-style: chr22-21340145-T-A.
Other names: short protein forms N93K.
Identifiers: ClinVar variation 2707768 (VCV002707768.3), dbSNP rs1462438936, ClinGen allele CA410778818.
Genomic context (GRCh38, chr22:20,985,856, plus strand): 5'-GAGTAGACCTGGCTAATGCCACCCTCTCTTCCGGCTGCCTTTCAGGAAGACCATGCTCAA[T>A]GACCTCCTGCGGTTCGATGTGAAAGACTGCTCCTGGTGCAGGTGGGTGGCCCCGTGCTCC-3'
Protein context (NP_006758.2, residues 83-103): FGGDNGKTML[Asn93Lys]DLLRFDVKDC

ClinVar aggregate classification (germline): Uncertain significance (1 of 4 stars; one submission).

Submission:

Labcorp Genetics (formerly Invitae), Labcorp
Classification: Uncertain significance. Last evaluated: 2024-01-05. Review status: criteria provided, single submitter. Criteria: Invitae Variant Classification Sherloc (09022015). Collection method: clinical testing. Allele origin: germline.
Comment: This sequence change replaces asparagine, which is neutral and polar, with lysine, which is basic and polar, at codon 93 of the LZTR1 protein (p.Asn93Lys). This variant is not present in population databases (gnomAD no frequency). This variant has not been reported in the literature in individuals affected with LZTR1-related conditions. Advanced modeling of protein sequence and biophysical properties (such as structural, functional, and spatial information, amino acid conservation, physicochemical variation, residue mobility, and thermodynamic stability) performed at Invitae indicates that this missense variant is not expected to disrupt LZTR1 protein function with a negative predictive value of 80%. In summary, the available evidence is currently insufficient to determine the role of this variant in disease. Therefore, it has been classified as a Variant of Uncertain Significance.